The following is an entry in ClinVar:

NM_003664.5(AP3B1):c.2708A>C (p.Gln903Pro)

Gene: AP3B1 (adaptor related protein complex 3 subunit beta 1; minus strand). Cytogenetic location: 5q14.1.
Variant type: single nucleotide variant.
Coding change: c.2708A>C on transcript NM_003664.5 (MANE Select); coding-DNA position 2708, A replaced by C.
Protein change: p.Gln903Pro; replaces glutamine 903 with proline.
Molecular consequence: missense variant.
Genome position (GRCh38, 1-based): chr5:78,039,144, T>G on the plus strand (A>C on the coding strand, the complement: AP3B1 is on the minus strand). VCF-style: chr5-78039144-T-G. GRCh37 (hg19) VCF-style: chr5-77334968-T-G.
Other names: c.2561A>C, p.Gln854Pro (NM_001271769.2); short protein forms Q854P, Q903P.
Identifiers: ClinVar variation 1041361 (VCV001041361.9), dbSNP rs1240100716, ClinGen allele CA360332061.

ClinVar aggregate classification (germline): Uncertain significance (1 of 4 stars; one submission).

Conditions:
Hermansky-Pudlak syndrome 2 (HPS2). Also called: Platelet defects and oculocutaneous albinism. Identifiers: Orphanet 183678, Orphanet 79430, MedGen C1842362, MONDO:0011997, OMIM 608233.

Allele frequency attached by ClinVar (database versions not stated): gnomAD exomes below 0.00001; gnomAD 0.00001; TOPMed 0.00001.
gnomAD v4.1: 2 of 1,613,690 alleles (0.00012%); highest among the groups gnomAD compares: Non-Finnish European, 0.00017%; no homozygotes.

Submission:

Labcorp Genetics (formerly Invitae), Labcorp
Classification: Uncertain significance for Hermansky-Pudlak syndrome 2. Last evaluated: 2020-02-17. Review status: criteria provided, single submitter. Criteria: Invitae Variant Classification Sherloc (09022015). Collection method: clinical testing. Allele origin: germline.
Comment: This sequence change replaces glutamine with proline at codon 903 of the AP3B1 protein (p.Gln903Pro). The glutamine residue is moderately conserved and there is a moderate physicochemical difference between glutamine and proline. This variant is not present in population databases (ExAC no frequency). In summary, the available evidence is currently insufficient to determine the role of this variant in disease. Therefore, it has been classified as a Variant of Uncertain Significance. Algorithms developed to predict the effect of missense changes on protein structure and function are either unavailable or do not agree on the potential impact of this missense change (SIFT: "Deleterious"; PolyPhen-2: "Benign"; Align-GVGD: "Class C0"). This variant has not been reported in the literature in individuals with AP3B1-related conditions.